The following is an entry in ClinVar:

ClinVar aggregate classification (germline): Pathogenic (1 of 4 stars; one submission).

Conditions:
Developmental and epileptic encephalopathy, 7 (DEE7). Also called: KCNQ2-Related Neonatal-Onset Developmental and Epileptic Encephalopathy (NEO-DEE); Early infantile epileptic encephalopathy 7; KCNQ2-Related Neonatal Epileptic Encephalopathy. Identifiers: Orphanet 439218, MedGen C3150986, MONDO:0013387, OMIM 613720.

Submission:

3billion
Classification: Pathogenic for Developmental and epileptic encephalopathy, 7. Last evaluated: 2024-03-11. Review status: criteria provided, single submitter. Criteria: ACMG Guidelines, 2015. Collection method: clinical testing. Allele origin: germline. Affected: yes.
Comment: The variant is not observed in the gnomAD v2.1.1 dataset. Predicted Consequence/Location: Missense changes are a common disease-causing mechanism. In silico tool predictions suggest damaging effect of the variant on gene or gene product [REVEL: 0.88 (>=0.6, sensitivity 0.68 and specificity 0.92); 3Cnet: 1.00 (>=0.6, sensitivity 0.72 and precision 0.9)]. Same nucleotide change resulting in same amino acid change has been previously reported to be associated with KCNQ2-related disorder (PMID: 33659638).The variant has been previously reported as de novo in a similarly affected individual (PMID: 33659638). A different missense change at the same codon (p.Asn190Ser) has been reported to be associated with KCNQ2-related disorder (PMID: 27602407). Therefore, this variant is classified as Pathogenic according to the recommendation of ACMG/AMP guideline.

Literature cited by the submitters: PubMed 27602407; PubMed 33659638.

NM_172107.4(KCNQ2):c.569A>T (p.Asn190Ile)

Gene: KCNQ2 (potassium voltage-gated channel subfamily Q member 2; minus strand). Cytogenetic location: 20q13.33.
Variant type: single nucleotide variant.
Coding change: c.569A>T on transcript NM_172107.4 (MANE Select); coding-DNA position 569, A replaced by T.
Protein change: p.Asn190Ile; replaces asparagine 190 with isoleucine.
Molecular consequence: missense variant.
Genome position (GRCh38, 1-based): chr20:63,444,780, T>A on the plus strand (A>T on the coding strand, the complement: KCNQ2 is on the minus strand). VCF-style: chr20-63444780-T-A. GRCh37 (hg19) VCF-style: chr20-62076133-T-A.
Other names: c.569A>T, p.Asn190Ile (NM_001382235.1, NM_004518.6, NM_172106.3 and 2 more transcripts); short protein forms N190I.
Identifiers: ClinVar variation 1526159 (VCV001526159.3), dbSNP rs2145775795, ClinGen allele CA409654863.